The following is an entry in ClinVar:

ClinVar aggregate classification (germline): Uncertain significance (1 of 4 stars; one submission).

Conditions:
Arrhythmogenic right ventricular dysplasia 13. Also called: ARRHYTHMOGENIC RIGHT VENTRICULAR CARDIOMYOPATHY 13; Arrhythmogenic right ventricular dysplasia, familial, 13. Identifiers: MedGen C3810138, MONDO:0000908, OMIM 615616.

Allele frequency attached by ClinVar (database versions not stated): ExAC 0.00002; gnomAD 0.00002; 1000 Genomes Project 30x 0.00016; 1000 Genomes Project 0.00020.
gnomAD v4.1: 12 of 1,613,898 alleles (0.00074%); highest among the groups gnomAD compares: South Asian, 0.013%; no homozygotes.

Submission:

Labcorp Genetics (formerly Invitae), Labcorp
Classification: Uncertain significance for Arrhythmogenic right ventricular dysplasia 13. Last evaluated: 2025-06-09. Review status: criteria provided, single submitter. Criteria: Invitae Variant Classification Sherloc (09022015). Collection method: clinical testing. Allele origin: germline.
Comment: This sequence change replaces isoleucine, which is neutral and non-polar, with phenylalanine, which is neutral and non-polar, at codon 307 of the CTNNA3 protein (p.Ile307Phe). This variant is present in population databases (rs543478300, gnomAD 0.006%). This variant has not been reported in the literature in individuals affected with CTNNA3-related conditions. ClinVar contains an entry for this variant (Variation ID: 1404885). Invitae Evidence Modeling of protein sequence and biophysical properties (such as structural, functional, and spatial information, amino acid conservation, physicochemical variation, residue mobility, and thermodynamic stability) indicates that this missense variant is expected to disrupt CTNNA3 protein function with a positive predictive value of 80%. In summary, the available evidence is currently insufficient to determine the role of this variant in disease. Therefore, it has been classified as a Variant of Uncertain Significance.

NM_013266.4(CTNNA3):c.919A>T (p.Ile307Phe)

Gene: CTNNA3 (catenin alpha 3; minus strand). Cytogenetic location: 10q21.3.
Variant type: single nucleotide variant.
Coding change: c.919A>T on transcript NM_013266.4 (MANE Select); coding-DNA position 919, A replaced by T.
Protein change: p.Ile307Phe; replaces isoleucine 307 with phenylalanine.
Molecular consequence: missense variant.
Genome position (GRCh38, 1-based): chr10:67,180,445, T>A on the plus strand (A>T on the coding strand, the complement: CTNNA3 is on the minus strand). VCF-style: chr10-67180445-T-A. GRCh37 (hg19) VCF-style: chr10-68940203-T-A.
Other names: c.919A>T, p.Ile307Phe (NM_001127384.3); c.955A>T, p.Ile319Phe (NM_001291133.2); short protein forms I307F, I319F.
Identifiers: ClinVar variation 1404885 (VCV001404885.6), dbSNP rs543478300, ClinGen allele CA5520451.